The following is an entry in ClinVar:

NM_017635.5(KMT5B):c.877G>C (p.Ala293Pro)

Gene: KMT5B (lysine methyltransferase 5B; minus strand). Cytogenetic location: 11q13.2.
Variant type: single nucleotide variant.
Coding change: c.877G>C on transcript NM_017635.5 (MANE Select); coding-DNA position 877, G replaced by C.
Protein change: p.Ala293Pro; replaces alanine 293 with proline.
Molecular consequence: missense variant. On other transcripts: non-coding transcript variant (3).
Genome position (GRCh38, 1-based): chr11:68,171,115, C>G on the plus strand (G>C on the coding strand, the complement: KMT5B is on the minus strand). VCF-style: chr11-68171115-C-G. GRCh37 (hg19) VCF-style: chr11-67938582-C-G.
Other names: c.361G>C, p.Ala121Pro (NM_001369432.1, NM_001369433.1, NM_001300907.1 and 5 more transcripts); c.877G>C, p.Ala293Pro (NM_016028.4, NM_001363566.2, NM_001369426.1 and 1 more transcripts); c.157G>C, p.Ala53Pro (NM_001300908.2); c.808G>C, p.Ala270Pro (NM_001300909.2); c.664G>C, p.Ala222Pro (NM_001369425.1); short protein forms A121P, A222P, A270P, A293P, A53P.
Identifiers: ClinVar variation 1709197 (VCV001709197.2), dbSNP rs2496381131, ClinGen allele CA381604945.

ClinVar aggregate classification (germline): Uncertain significance (1 of 4 stars; one submission).

Conditions:
Intellectual developmental disorder, autosomal dominant 51. Also called: Intellectual disability, autosomal dominant 51; MENTAL RETARDATION, AUTOSOMAL DOMINANT 51. Identifiers: Orphanet 684226, MedGen C4540474, MONDO:0030917, OMIM 617788.

Submission:

MGZ Medical Genetics Center
Classification: Uncertain significance for Intellectual developmental disorder, autosomal dominant 51. Last evaluated: 2022-03-17. Review status: criteria provided, single submitter. Criteria: ACMG Guidelines, 2015. Collection method: clinical testing. Allele origin: germline. Affected: yes. Observed: 1 variant allele.
Comment: ACMG criteria applied: PM2_SUP, PP3